The following is an entry in ClinVar:

NM_000518.5(HBB):c.316-260T>C

Genes: HBB (hemoglobin subunit beta; minus strand), LOC107133510 (origin of replication at HBB; plus strand), LOC110006319 (beta-globin gene 3' regulatory region; plus strand). Cytogenetic location: 11p15.4.
Variant type: single nucleotide variant.
Coding change: c.316-260T>C on transcript NM_000518.5 (MANE Select); 260 bases into the intron before coding-DNA position 316, T replaced by C.
Molecular consequence: intron variant.
Genome position (GRCh38, 1-based): chr11:5,225,986, A>G on the plus strand (T>C on the coding strand, the complement: HBB is on the minus strand). VCF-style: chr11-5225986-A-G. GRCh37 (hg19) VCF-style: chr11-5247216-A-G.
Identifiers: ClinVar variation 1630450 (VCV001630450.11), dbSNP rs1461234906, ClinGen allele CA2573147119.

ClinVar aggregate classification (germline): Likely benign. Review status: criteria provided, multiple submitters, no conflicts (2 of 4 stars). 2 submissions from 2 submitters: Likely benign (2). Last evaluated 2024-03-07.

Submissions (2):

Women's Health and Genetics/Laboratory Corporation of America, LabCorp
Classification: Likely benign. Last evaluated: 2024-03-07. Review status: criteria provided, single submitter. Criteria: LabCorp Variant Classification Summary - May 2015. Collection method: clinical testing. Allele origin: germline.
Comment: Variant summary: HBB c.316-260T>C is located at a position not widely known to affect splicing. Consensus agreement among computation tools predict no significant impact on normal splicing. However, these predictions have yet to be confirmed by functional studies. The variant was absent in 150976 control chromosomes (gnomAD v4.0). The available data on variant occurrences in the general population are insufficient to allow any conclusion about variant significance. A variant, described with the legacy name as IVS II-591 T-C (which corresponds to c.316-260T>C), has been reported in heterozygous state in an individual affected with Beta Thalassemia (Agarwal_2000, Colah_2009, Colah_2011), however no supportive evidence for causality was provided. These reports do not provide unequivocal conclusions about association of the variant with Beta Thalassemia. To our knowledge, no experimental evidence demonstrating an impact on protein function has been reported. The following publications have been ascertained in the context of this evaluation (PMID: 11074564, 19254853, 22089620). ClinVar contains an entry for this variant (Variation ID: 1630450). Based on the evidence outlined above, the variant was classified as likely benign.

Labcorp Genetics (formerly Invitae), Labcorp
Classification: Likely benign. Last evaluated: 2023-05-21. Review status: criteria provided, single submitter. Criteria: Invitae Variant Classification Sherloc (09022015). Collection method: clinical testing. Allele origin: germline.

Literature cited by the submitters: PubMed 19254853 (cited by Women's Health and Genetics/Laboratory Corporation of America, LabCorp); PubMed 11074564 (cited by Women's Health and Genetics/Laboratory Corporation of America, LabCorp); PubMed 22089620 (cited by Women's Health and Genetics/Laboratory Corporation of America, LabCorp).